The following is an entry in ClinVar:

ClinVar aggregate classification (germline): Uncertain significance (1 of 4 stars; one submission).

Conditions:
Diffuse cerebral and cerebellar atrophy - intractable seizures - progressive microcephaly syndrome. Also called: Microcephaly, progressive, with seizures and cerebral and cerebellar atrophy. Identifiers: Orphanet 404437, MedGen C4014239, MONDO:0014335, OMIM 615760.

Submission:

Labcorp Genetics (formerly Invitae), Labcorp
Classification: Uncertain significance for Diffuse cerebral and cerebellar atrophy - intractable seizures - progressive microcephaly syndrome. Last evaluated: 2022-06-14. Review status: criteria provided, single submitter. Criteria: Invitae Variant Classification Sherloc (09022015). Collection method: clinical testing. Allele origin: germline.
Comment: In summary, the available evidence is currently insufficient to determine the role of this variant in disease. Therefore, it has been classified as a Variant of Uncertain Significance. Algorithms developed to predict the effect of sequence changes on RNA splicing suggest that this variant may create or strengthen a splice site. Algorithms developed to predict the effect of missense changes on protein structure and function are either unavailable or do not agree on the potential impact of this missense change (SIFT: "Deleterious"; PolyPhen-2: "Probably Damaging"; Align-GVGD: "Class C0"). This variant has not been reported in the literature in individuals affected with QARS-related conditions. This variant is not present in population databases (gnomAD no frequency). This sequence change replaces cysteine, which is neutral and slightly polar, with phenylalanine, which is neutral and non-polar, at codon 358 of the QARS protein (p.Cys358Phe).

NM_005051.3(QARS1):c.1073G>T (p.Cys358Phe)

Gene: QARS1 (glutaminyl-tRNA synthetase 1; minus strand). Cytogenetic location: 3p21.31.
Variant type: single nucleotide variant.
Coding change: c.1073G>T on transcript NM_005051.3 (MANE Select); coding-DNA position 1073, G replaced by T.
Protein change: p.Cys358Phe; replaces cysteine 358 with phenylalanine.
Molecular consequence: missense variant. On other transcripts: non-coding transcript variant (1).
Genome position (GRCh38, 1-based): chr3:49,100,281, C>A on the plus strand (G>T on the coding strand, the complement: QARS1 is on the minus strand). VCF-style: chr3-49100281-C-A. GRCh37 (hg19) VCF-style: chr3-49137714-C-A.
Other names: c.1040G>T, p.Cys347Phe (NM_001272073.2); short protein forms C347F, C358F.
Identifiers: ClinVar variation 1504470 (VCV001504470.6), dbSNP rs2042451884, ClinGen allele CA352710733.